The following is an entry in ClinVar:

NM_000038.6(APC):c.730-2731A>G

Gene: APC (APC regulator of WNT signaling pathway; plus strand). Cytogenetic location: 5q22.2.
Variant type: single nucleotide variant.
Coding change: c.730-2731A>G on transcript NM_000038.6 (MANE Select); 2731 bases into the intron before coding-DNA position 730, A replaced by G.
Molecular consequence: intron variant.
Genome position (GRCh38, 1-based): chr5:112,798,548, A>G. VCF-style: chr5-112798548-A-G. GRCh37 (hg19) VCF-style: chr5-112134245-A-G.
Other names: c.730-2731A>G (NM_001354895.2, NM_001127510.3, NM_001354896.2 and 1 more transcripts); c.760-2731A>G (NM_001354897.2, NM_001354902.2); c.676-2731A>G (NM_001127511.3); c.655-2731A>G (NM_001354898.2, NM_001354904.2); c.-306-2731A>G (NM_001354906.2); c.646-2731A>G (NM_001354899.2); c.553-2731A>G (NM_001354900.2, NM_001354901.2, NM_001354905.2).
Identifiers: ClinVar variation 82502 (VCV000082502.2), dbSNP rs75280772, ClinGen allele CA013522.
Genomic context (GRCh38, chr5:112,798,548, plus strand): 5'-TTGATAAATCTAAAAGTCATTTAATTGAACACTTAAAATGGATGGATTTTGTGATATTTA[A>G]ATACCTCACCAAAATTTTTTTTCAAGTTCTATCACCTAGAGTAGAAAACCTTGGAGAAGT-3'

ClinVar aggregate classification (germline): other (0 of 4 stars; one submission).

Conditions:
Familial colorectal cancer. Identifiers: MedGen CN280943, MONDO:0023113. Disease mechanism: loss of function.

Submission:

Systems Biology Platform Zhejiang California International NanoSystems Institute
Classification: other for Familial colorectal cancer. Review status: no assertion criteria provided. Collection method: not provided. Allele origin: unknown.
ClinVar note: Converted during submission from cancer to other.